The following is an entry in ClinVar:

NM_144573.4(NEXN):c.29T>G (p.Ile10Ser)

Gene: NEXN (nexilin F-actin binding protein; plus strand). Cytogenetic location: 1p31.1.
Variant type: single nucleotide variant.
Coding change: c.29T>G on transcript NM_144573.4 (MANE Select); coding-DNA position 29, T replaced by G.
Protein change: p.Ile10Ser; replaces isoleucine 10 with serine.
Molecular consequence: missense variant. On other transcripts: intron variant (1).
Genome position (GRCh38, 1-based): chr1:77,917,567, T>G. VCF-style: chr1-77917567-T-G. GRCh37 (hg19) VCF-style: chr1-78383252-T-G.
Other names: c.28-393T>G (NM_001172309.2); short protein forms I10S.
Identifiers: ClinVar variation 2564020 (VCV002564020.2), dbSNP rs2526781024, ClinGen allele CA340884872.

ClinVar aggregate classification (germline): Uncertain significance (1 of 4 stars; one submission).

Conditions:
Cardiovascular phenotype. Identifiers: MedGen CN230736.

gnomAD v4.1: 1 of 1,608,476 alleles (0.000062%); no homozygotes.

Submission:

Ambry Genetics
Classification: Uncertain significance for Cardiovascular phenotype. Last evaluated: 2023-05-11. Review status: criteria provided, single submitter. Criteria: Ambry Variant Classification Scheme 2023. Collection method: clinical testing. Allele origin: germline.
Comment: The p.I10S variant (also known as c.29T>G), located in coding exon 2 of the NEXN gene, results from a T to G substitution at nucleotide position 29. The isoleucine at codon 10 is replaced by serine, an amino acid with dissimilar properties. This amino acid position is conserved. In addition, the in silico prediction for this alteration is inconclusive. Since supporting evidence is limited at this time, the clinical significance of this alteration remains unclear.